The following is an entry in ClinVar:

ClinVar aggregate classification (germline): Likely benign (1 of 4 stars; one submission).

gnomAD v4.1: 165 of 1,613,798 alleles (0.01%); highest among the groups gnomAD compares: Middle Eastern, 0.016%; no homozygotes.

Submission:

CeGaT Center for Human Genetics Tuebingen
Classification: Likely benign. Last evaluated: 2025-03-01. Review status: criteria provided, single submitter. Criteria: CeGaT Center For Human Genetics Tuebingen Variant Classification Criteria Version 2. Collection method: clinical testing. Allele origin: germline. Affected: yes. Observed: 1 variant allele.
Comment: MEGF8: BP4, BP7

NM_001271938.2(MEGF8):c.5985G>A (p.Ala1995=)

Gene: MEGF8 (multiple EGF like domains 8; plus strand). Cytogenetic location: 19q13.2.
Variant type: single nucleotide variant.
Coding change: c.5985G>A on transcript NM_001271938.2 (MANE Select); coding-DNA position 5985, G replaced by A.
Protein change: p.Ala1995=; no amino-acid change (alanine 1995 retained).
Molecular consequence: synonymous variant.
Genome position (GRCh38, 1-based): chr19:42,362,524, G>A. VCF-style: chr19-42362524-G-A. GRCh37 (hg19) VCF-style: chr19-42866676-G-A.
Other names: c.5784G>A, p.Ala1928= (NM_001410.3).
Identifiers: ClinVar variation 3778046 (VCV003778046.7).
Genomic context (GRCh38, chr19:42,362,524, plus strand): 5'-GAATGACTGTCGGATCAACCAGCGAGAGGTCTTCTGGGCAGGGAACTGCTCCGAGGCTGC[G>A]TGCGGGGCTGCTGACTGCGAGCAGTGCACGCGGGAGGGCAAGTGCATGTGGACGCGGCAG-3'
Protein context (NP_001258867.1, residues 1985-2005): VFWAGNCSEA[Ala1995=]CGAADCEQCT